The following is an entry in ClinVar:

ClinVar aggregate classification (germline): Pathogenic (1 of 4 stars; one submission).

Conditions:
Primary ciliary dyskinesia. Also called: Ciliary dyskinesia. Identifiers: Orphanet 244, MedGen C0008780, MONDO:0016575, HP:0012265.

Submission:

Labcorp Genetics (formerly Invitae), Labcorp
Classification: Pathogenic for Primary ciliary dyskinesia. Last evaluated: 2022-05-22. Review status: criteria provided, single submitter. Criteria: Invitae Variant Classification Sherloc (09022015). Collection method: clinical testing. Allele origin: germline.
Comment: This variant disrupts a region of the RPGR (ORF15) protein in which other variant(s) (p.Leu1130Lysfs*13) have been determined to be pathogenic (PMID: 16969763, 18552978, 22264887, 31645972). This suggests that this is a clinically significant region of the protein, and that variants that disrupt it are likely to be disease-causing. This sequence change creates a premature translational stop signal (p.Glu1084*) in the RPGR (ORF15) gene. While this is not anticipated to result in nonsense mediated decay, it is expected to disrupt the last 69 amino acid(s) of the RPGR (ORF15) protein. This variant is not present in population databases (gnomAD no frequency). This variant has not been reported in the literature in individuals affected with RPGR (ORF15)-related conditions. For these reasons, this variant has been classified as Pathogenic.

Literature cited by the submitters: PubMed 16969763; PubMed 18552978; PubMed 22264887; PubMed 31645972.

NM_001034853.2(RPGR):c.3250G>T (p.Glu1084Ter)

Gene: RPGR (retinitis pigmentosa GTPase regulator; minus strand). Cytogenetic location: Xp11.4.
Variant type: single nucleotide variant.
Coding change: c.3250G>T on transcript NM_001034853.2 (MANE Select); coding-DNA position 3250, G replaced by T.
Protein change: p.Glu1084Ter; replaces glutamic acid 1084 with a stop codon.
Molecular consequence: nonsense. On other transcripts: intron variant (8).
Genome position (GRCh38, 1-based): chrX:38,285,749, C>A on the plus strand (G>T on the coding strand, the complement: RPGR is on the minus strand). VCF-style: chrX-38285749-C-A. GRCh37 (hg19) VCF-style: chrX-38145002-C-A.
Other names: c.1569+5210G>T (NM_001367249.1, NM_001367250.1); c.1902+1345G>T (NM_001367245.1); c.1386+5210G>T (NM_001367251.1); c.1719+1345G>T (NM_001367246.1); c.1572+5210G>T (NM_001367247.1); c.1905+1345G>T (NM_000328.3); c.1602+5210G>T (NM_001367248.1); short protein forms E1084*.
Identifiers: ClinVar variation 1998056 (VCV001998056.4), dbSNP rs2519780558, ClinGen allele CA412727547.